The following is an entry in ClinVar:

NM_000250.2(MPO):c.248+5G>A

Genes: MPO (myeloperoxidase; minus strand), LOC106694315 (MPO proximal enhancer and promoter region; plus strand). Cytogenetic location: 17q22.
Variant type: single nucleotide variant.
Coding change: c.248+5G>A on transcript NM_000250.2 (MANE Select); 5 bases into the intron after coding-DNA position 248, G replaced by A.
Molecular consequence: intron variant.
Genome position (GRCh38, 1-based): chr17:58,280,361, C>T on the plus strand (G>A on the coding strand, the complement: MPO is on the minus strand). VCF-style: chr17-58280361-C-T. GRCh37 (hg19) VCF-style: chr17-56357722-C-T.
Identifiers: ClinVar variation 4853504 (VCV004853504.1).

ClinVar aggregate classification (germline): Uncertain significance (1 of 4 stars; one submission).

gnomAD v4.1: 3 of 1,613,746 alleles (0.00019%); highest among the groups gnomAD compares: Non-Finnish European, 0.00025%; no homozygotes.

Submission:

Women's Health and Genetics/Laboratory Corporation of America, LabCorp
Classification: Uncertain significance. Last evaluated: 2026-05-06. Review status: criteria provided, single submitter. Criteria: LabCorp Variant Classification Summary - May 2015. Collection method: clinical testing. Allele origin: germline.
Comment: Variant summary: MPO c.248+5G>A alters a nucleotide located close to a canonical splice site and therefore could affect mRNA splicing, leading to a significantly altered protein sequence. Several computational tools predict a significant impact on normal splicing: One predict the variant abolishes a 5' splicing donor site. Two predict the variant weakens a 5' donor site. However, these predictions have yet to be confirmed by functional studies. The variant was absent in 250770 control chromosomes. The available data on variant occurrences in the general population are insufficient to allow any conclusion about variant significance. To our knowledge, no occurrence of c.248+5G>A in individuals affected with MPO-related conditions and no experimental evidence demonstrating its impact on protein function have been reported. No submitters have cited clinical-significance assessments for this variant to ClinVar. Based on the evidence outlined above, the variant was classified as uncertain significance.